The following is an entry in ClinVar:

NM_052947.4(ALPK2):c.192T>A (p.Phe64Leu)

Gene: ALPK2 (alpha kinase 2; minus strand). Cytogenetic location: 18q21.32.
Variant type: single nucleotide variant.
Coding change: c.192T>A on transcript NM_052947.4 (MANE Select); coding-DNA position 192, T replaced by A.
Protein change: p.Phe64Leu; replaces phenylalanine 64 with leucine.
Molecular consequence: missense variant.
Genome position (GRCh38, 1-based): chr18:58,607,357, A>T on the plus strand (T>A on the coding strand, the complement: ALPK2 is on the minus strand). VCF-style: chr18-58607357-A-T. GRCh37 (hg19) VCF-style: chr18-56274589-A-T.
Other names: short protein forms F64L.
Identifiers: ClinVar variation 2564094 (VCV002564094.2), dbSNP rs1174952580, ClinGen allele CA402555832.

ClinVar aggregate classification (germline): Uncertain significance (1 of 4 stars; one submission).

Submission:

Ambry Genetics
Classification: Uncertain significance. Last evaluated: 2023-05-28. Review status: criteria provided, single submitter. Criteria: Ambry Variant Classification Scheme 2023. Collection method: clinical testing. Allele origin: germline.
Comment: The p.F64L variant (also known as c.192T>A), located in coding exon 2 of the ALPK2 gene, results from a T to A substitution at nucleotide position 192. The phenylalanine at codon 64 is replaced by leucine, an amino acid with highly similar properties. This amino acid position is conserved. In addition, this alteration is predicted to be tolerated by in silico analysis. Since supporting evidence is limited at this time, the clinical significance of this alteration remains unclear.